The following is an entry in ClinVar:

NM_000431.4(MVK):c.425del (p.Gly142fs)

Gene: MVK (mevalonate kinase; plus strand). Cytogenetic location: 12q24.11.
Variant type: Deletion.
Coding change: c.425del on transcript NM_000431.4 (MANE Select); coding-DNA position 425, one base deleted (G; older notation c.425delG).
Protein change: p.Gly142fs; shifts the reading frame from glycine 142.
Molecular consequence: frameshift variant. On other transcripts: 5 prime UTR variant (1), non-coding transcript variant (3), intron variant (2).
Genome position (GRCh38, 1-based): chr12:109,581,448, G deleted; the last of 3 consecutive G bases (chr12:109,581,446-109,581,448); deleting any one gives the same sequence. VCF-style (leftmost placement, unchanged base first): chr12-109581445-CG-C. GRCh37 (hg19) VCF-style: chr12-110019250-CG-C.
Other names: c.425del, p.Gly142fs (NM_001114185.3, NM_001414511.1, NM_001414512.1 and 1 more transcripts); c.-158del (NM_001414515.1); c.371+1502del (NM_001414514.1, NM_001301182.2); short protein forms G142fs.
Identifiers: ClinVar variation 5015961 (VCV005015961.1).

ClinVar aggregate classification (germline): Pathogenic (1 of 4 stars; one submission).

Conditions:
Deficiency of mevalonate kinase. Also called: Mevalonate kinase deficiency. Identifiers: Orphanet 309025, MedGen C0342731, MONDO:0017708.

Submission:

Myriad Genetics, Inc.
Classification: Pathogenic for Deficiency of mevalonate kinase. Last evaluated: 2026-05-26. Review status: criteria provided, single submitter. Criteria: Myriad Autosomal Dominant, Autosomal Recessive and X-Linked Classification Criteria (2023). Collection method: clinical testing. Allele origin: unknown.
Comment: NM_000431.2(MVK):c.425delG(G142Afs*17) is expected to be pathogenic in the context of mevalonate kinase deficiency. This variant is predicted to lead to an abnormal or absent protein product due to the creation of a premature termination codon in MVK, a gene where loss-of-function variants are known to be pathogenic. Please note: this variant was assessed in the context of healthy population screening.